The following is an entry in ClinVar:

NM_001385641.1(SAMD11):c.791G>A (p.Arg264Lys)

Gene: SAMD11 (sterile alpha motif domain containing 11; plus strand). Cytogenetic location: 1p36.33.
Variant type: single nucleotide variant.
Coding change: c.791G>A on transcript NM_001385641.1 (MANE Select); coding-DNA position 791, G replaced by A.
Protein change: p.Arg264Lys; replaces arginine 264 with lysine.
Molecular consequence: missense variant.
Genome position (GRCh38, 1-based): chr1:930,336, G>A. VCF-style: chr1-930336-G-A. GRCh37 (hg19) VCF-style: chr1-865716-G-A.
Other names: c.791G>A, p.Arg264Lys (NM_001385640.1); c.254G>A, p.Arg85Lys (NM_152486.4); short protein forms R85K, R264K.
Identifiers: ClinVar variation 843786 (VCV000843786.7), dbSNP rs762079957, ClinGen allele CA16707223.
Genomic context (GRCh38, chr1:930,336, plus strand): 5'-GTGGGCGGCGGCCAGGCTTGAAGCAGGAGGATGGTCCGCACATCCGTATCATGAAGAGAA[G>A]GTACTTGGACCAGGGCCGGACAGGAAGGCGCAAGGCTCAGATGGGGCTGGAGCTTCAGGC-3'
Protein context (NP_001372570.1, residues 254-274): DGPHIRIMKR[Arg264Lys]VHTHWDVNIS

ClinVar aggregate classification (germline): Uncertain significance (1 of 4 stars; one submission).

Allele frequency attached by ClinVar (database versions not stated): gnomAD exomes 0.00002; TOPMed 0.00002; gnomAD 0.00003 and 0.00004.
gnomAD v4.1: 53 of 1,600,808 alleles (0.0033%); highest among the groups gnomAD compares: Non-Finnish European, 0.0044%; no homozygotes.

Submission:

Labcorp Genetics (formerly Invitae), Labcorp
Classification: Uncertain significance. Last evaluated: 2022-05-17. Review status: criteria provided, single submitter. Criteria: Invitae Variant Classification Sherloc (09022015). Collection method: clinical testing. Allele origin: germline.
Comment: This sequence change replaces arginine, which is basic and polar, with lysine, which is basic and polar, at codon 85 of the SAMD11 protein (p.Arg85Lys). This variant also falls at the last nucleotide of exon 3, which is part of the consensus splice site for this exon. This variant is present in population databases (rs762079957, gnomAD 0.004%). This variant has not been reported in the literature in individuals affected with SAMD11-related conditions. ClinVar contains an entry for this variant (Variation ID: 843786). Algorithms developed to predict the effect of missense changes on protein structure and function are either unavailable or do not agree on the potential impact of this missense change (SIFT: "Deleterious"; PolyPhen-2: "Possibly Damaging"; Align-GVGD: "Class C0"). Variants that disrupt the consensus splice site are a relatively common cause of aberrant splicing (PMID: 17576681, 9536098). Algorithms developed to predict the effect of sequence changes on RNA splicing suggest that this variant may disrupt the consensus splice site. In summary, the available evidence is currently insufficient to determine the role of this variant in disease. Therefore, it has been classified as a Variant of Uncertain Significance.

Literature cited by the submitters: PubMed 17576681; PubMed 9536098.